The following is an entry in ClinVar:

NM_001735.3(C5):c.1346G>A (p.Arg449Lys)

Gene: C5 (complement C5; minus strand). Cytogenetic location: 9q33.2.
Variant type: single nucleotide variant.
Coding change: c.1346G>A on transcript NM_001735.3 (MANE Select); coding-DNA position 1346, G replaced by A.
Protein change: p.Arg449Lys; replaces arginine 449 with lysine.
Molecular consequence: missense variant.
Genome position (GRCh38, 1-based): chr9:121,020,136, C>T on the plus strand (G>A on the coding strand, the complement: C5 is on the minus strand). VCF-style: chr9-121020136-C-T. GRCh37 (hg19) VCF-style: chr9-123782414-C-T.
Other names: c.1364G>A, p.Arg455Lys (NM_001317163.2); c.1346G>A, p.Arg449Lys (NM_001317164.2); short protein forms R449K, R455K.
Identifiers: ClinVar variation 1355121 (VCV001355121.8), dbSNP rs776607949, ClinGen allele CA374751571.

ClinVar aggregate classification (germline): Uncertain significance (1 of 4 stars; one submission).

Submission:

Labcorp Genetics (formerly Invitae), Labcorp
Classification: Uncertain significance. Last evaluated: 2021-02-03. Review status: criteria provided, single submitter. Criteria: Invitae Variant Classification Sherloc (09022015). Collection method: clinical testing. Allele origin: germline.
Comment: In summary, the available evidence is currently insufficient to determine the role of this variant in disease. Therefore, it has been classified as a Variant of Uncertain Significance. Algorithms developed to predict the effect of missense changes on protein structure and function (SIFT, PolyPhen-2, Align-GVGD) all suggest that this variant is likely to be tolerated, but these predictions have not been confirmed by published functional studies and their clinical significance is uncertain. This variant is not present in population databases (ExAC no frequency). This variant has not been reported in the literature in individuals with C5-related conditions. This sequence change replaces arginine with lysine at codon 449 of the C5 protein (p.Arg449Lys). The arginine residue is weakly conserved and there is a small physicochemical difference between arginine and lysine.